The following is an entry in ClinVar:

ClinVar aggregate classification (germline): Pathogenic (1 of 4 stars; one submission).

Conditions:
Primary ciliary dyskinesia. Also called: Ciliary dyskinesia. Identifiers: Orphanet 244, MedGen C0008780, MONDO:0016575, HP:0012265.

Submission:

Labcorp Genetics (formerly Invitae), Labcorp
Classification: Pathogenic for Primary ciliary dyskinesia. Last evaluated: 2023-09-08. Review status: criteria provided, single submitter. Criteria: Invitae Variant Classification Sherloc (09022015). Collection method: clinical testing. Allele origin: germline.
Comment: For these reasons, this variant has been classified as Pathogenic. This variant disrupts a region of the RPGR (ORF15) protein in which other variant(s) (p.Leu1130Lysfs*13) have been determined to be pathogenic (PMID: 22264887; Invitae). This suggests that this is a clinically significant region of the protein, and that variants that disrupt it are likely to be disease-causing. This variant has not been reported in the literature in individuals affected with RPGR (ORF15)-related conditions. This variant is not present in population databases (gnomAD no frequency). This sequence change creates a premature translational stop signal (p.Lys640Argfs*57) in the RPGR (ORF15) gene. While this is not anticipated to result in nonsense mediated decay, it is expected to disrupt the last 513 amino acid(s) of the RPGR (ORF15) protein.

Literature cited by the submitters: PubMed 22264887.

NM_001034853.2(RPGR):c.1919del (p.Lys640fs)

Gene: RPGR (retinitis pigmentosa GTPase regulator; minus strand). Cytogenetic location: Xp11.4.
Variant type: Deletion.
Coding change: c.1919del on transcript NM_001034853.2 (MANE Select); coding-DNA position 1919, one base deleted (A; older notation c.1919delA).
Protein change: p.Lys640fs; shifts the reading frame from lysine 640.
Molecular consequence: frameshift variant. On other transcripts: intron variant (8).
Genome position (GRCh38, 1-based): chrX:38,287,080, T deleted on the plus strand (A on the coding strand, the reverse complement: RPGR is on the minus strand); the first of 2 consecutive T bases (chrX:38,287,080-38,287,081); deleting either gives the same sequence. VCF-style (leftmost placement, unchanged base first): chrX-38287079-CT-C. GRCh37 (hg19) VCF-style: chrX-38146332-CT-C.
Other names: c.1569+3879del (NM_001367249.1, NM_001367250.1); c.1902+14del (NM_001367245.1); c.1386+3879del (NM_001367251.1); c.1719+14del (NM_001367246.1); c.1572+3879del (NM_001367247.1); c.1905+14del (NM_000328.3); c.1602+3879del (NM_001367248.1); short protein forms K640fs.
Identifiers: ClinVar variation 2979154 (VCV002979154.3), dbSNP rs2519794763, ClinGen allele CA2740092100.